The following is an entry in ClinVar:

NM_007186.6(CEP250):c.2828A>G (p.Asp943Gly)

Gene: CEP250 (centrosomal protein 250; plus strand). Cytogenetic location: 20q11.22.
Variant type: single nucleotide variant.
Coding change: c.2828A>G on transcript NM_007186.6 (MANE Select); coding-DNA position 2828, A replaced by G.
Protein change: p.Asp943Gly; replaces aspartic acid 943 with glycine.
Molecular consequence: missense variant.
Genome position (GRCh38, 1-based): chr20:35,491,285, A>G. VCF-style: chr20-35491285-A-G. GRCh37 (hg19) VCF-style: chr20-34079111-A-G.
Other names: c.932A>G, p.Asp311Gly (NM_001318219.1); short protein forms D943G, D311G.
Identifiers: ClinVar variation 1950477 (VCV001950477.5), dbSNP rs774562905, ClinGen allele CA9833297.
Genomic context (GRCh38, chr20:35,491,285, plus strand): 5'-CAGAGAAGGAGAGAGTATCCCTCCTGGAGACACTGCTGCAGACGCAGAAGGAGCTAGCAG[A>G]TGCCAGCCAACAACTGGAACGACTGAGGCAGGACATGAAAGTCCAGAAATTAAAGGAGCA-3'
Protein context (NP_009117.2, residues 933-953): TLLQTQKELA[Asp943Gly]ASQQLERLRQ

ClinVar aggregate classification (germline): Uncertain significance (1 of 4 stars; one submission).

Allele frequency attached by ClinVar (database versions not stated): ExAC 0.00001; gnomAD 0.00001; gnomAD exomes 0.00001; TOPMed 0.00001.
gnomAD v4.1: 5 of 1,605,698 alleles (0.00031%); highest among the groups gnomAD compares: Admixed American, 0.0085%; no homozygotes.

Submission:

Labcorp Genetics (formerly Invitae), Labcorp
Classification: Uncertain significance. Last evaluated: 2022-05-25. Review status: criteria provided, single submitter. Criteria: Invitae Variant Classification Sherloc (09022015). Collection method: clinical testing. Allele origin: germline.
Comment: In summary, the available evidence is currently insufficient to determine the role of this variant in disease. Therefore, it has been classified as a Variant of Uncertain Significance. Algorithms developed to predict the effect of missense changes on protein structure and function are either unavailable or do not agree on the potential impact of this missense change (SIFT: "Not Available"; PolyPhen-2: "Probably Damaging"; Align-GVGD: "Not Available"). This variant has not been reported in the literature in individuals affected with CEP250-related conditions. This variant is present in population databases (rs774562905, gnomAD 0.009%). This sequence change replaces aspartic acid, which is acidic and polar, with glycine, which is neutral and non-polar, at codon 943 of the CEP250 protein (p.Asp943Gly).